The following is an entry in ClinVar:

NM_001042492.3(NF1):c.6898A>T (p.Lys2300Ter)

Gene: NF1 (neurofibromin 1; plus strand). Cytogenetic location: 17q11.2.
Variant type: single nucleotide variant.
Coding change: c.6898A>T on transcript NM_001042492.3 (MANE Select); coding-DNA position 6898, A replaced by T.
Protein change: p.Lys2300Ter; replaces lysine 2300 with a stop codon.
Molecular consequence: nonsense.
Genome position (GRCh38, 1-based): chr17:31,338,782, A>T. VCF-style: chr17-31338782-A-T. GRCh37 (hg19) VCF-style: chr17-29665800-A-T.
Other names: c.6835A>T, p.Lys2279Ter (NM_000267.4); short protein forms K2279*, K2300*.
Identifiers: ClinVar variation 2036849 (VCV002036849.4), dbSNP rs2508763064, ClinGen allele CA399014408.
Genomic context (GRCh38, chr17:31,338,782, plus strand): 5'-AAAGGACCTGACACTTACAACAGTCAAGTTCTGATAGAAGCTACAGTAATAGCACTAACC[A>T]AATTACAGCCACTTCTTAATAAGGTAATTACTGTATAGAAAATGAGTGCATTCATTTTGG-3'

ClinVar aggregate classification (germline): Pathogenic (1 of 4 stars; one submission).

Conditions:
Neurofibromatosis, type 1 (NF1). Also called: VON RECKLINGHAUSEN DISEASE; NEUROFIBROMATOSIS, TYPE I, SOMATIC; Neurofibromatosis, type I; Peripheral type neurofibromatosis. Identifiers: Orphanet 636, MedGen C0027831, MONDO:0018975, OMIM 162200. Disease mechanism: loss of function.

Submission:

Labcorp Genetics (formerly Invitae), Labcorp
Classification: Pathogenic for Neurofibromatosis, type 1. Last evaluated: 2024-07-24. Review status: criteria provided, single submitter. Criteria: Invitae Variant Classification Sherloc (09022015). Collection method: clinical testing. Allele origin: germline.
Comment: This sequence change creates a premature translational stop signal (p.Lys2279*) in the NF1 gene. It is expected to result in an absent or disrupted protein product. Loss-of-function variants in NF1 are known to be pathogenic (PMID: 10712197, 23913538). This variant is not present in population databases (gnomAD no frequency). This variant has not been reported in the literature in individuals affected with NF1-related conditions. ClinVar contains an entry for this variant (Variation ID: 2036849). Algorithms developed to predict the effect of sequence changes on RNA splicing suggest that this variant may disrupt the consensus splice site. For these reasons, this variant has been classified as Pathogenic.

Literature cited by the submitters: PubMed 10712197; PubMed 23913538.